The following is an entry in ClinVar:

ClinVar aggregate classification (germline): Likely benign (0 of 4 stars; one submission).

Conditions:
RPGR-related disorder. Also called: RPGR-related condition.

Allele frequency attached by ClinVar (database versions not stated): gnomAD exomes 0.00006; TOPMed 0.00034; gnomAD 0.00029.
gnomAD v4.1: 46 of 382,331 alleles (0.012%); highest among the groups gnomAD compares: African/African-American, 0.11%; no homozygotes.

Submission:

PreventionGenetics, part of Exact Sciences
Classification: Likely benign for RPGR-related condition. Last evaluated: 2022-05-25. Review status: no assertion criteria provided. Collection method: clinical testing. Allele origin: germline.
Comment: This variant is classified as likely benign based on ACMG/AMP sequence variant interpretation guidelines (Richards et al. 2015 PMID: 25741868, with internal and published modifications).

NC_000023.11:g.38269432T>C

Gene: RPGR (retinitis pigmentosa GTPase regulator; minus strand). Cytogenetic location: Xp11.4.
Variant type: single nucleotide variant.
Molecular consequence: 3 prime UTR variant (on NM_000328.3). On other transcripts: non-coding transcript variant (6).
Genome position: GRCh38 VCF-style: chrX-38269432-T-C. GRCh37 (hg19) VCF-style: chrX-38128685-T-C.
Other names: c.*194A>G (NM_000328.3, NM_001367245.1, NM_001367246.1 and 5 more transcripts).
Identifiers: ClinVar variation 2430222 (VCV002430222.4), dbSNP rs1008695516, ClinGen allele CA327944734.